The following is an entry in ClinVar:

NM_145045.5(ODAD3):c.908A>G (p.Glu303Gly)

Gene: ODAD3 (outer dynein arm docking complex subunit 3; minus strand). Cytogenetic location: 19p13.2.
Variant type: single nucleotide variant.
Coding change: c.908A>G on transcript NM_145045.5 (MANE Select); coding-DNA position 908, A replaced by G.
Protein change: p.Glu303Gly; replaces glutamic acid 303 with glycine.
Molecular consequence: missense variant.
Genome position (GRCh38, 1-based): chr19:11,426,199, T>C on the plus strand (A>G on the coding strand, the complement: ODAD3 is on the minus strand). VCF-style: chr19-11426199-T-C. GRCh37 (hg19) VCF-style: chr19-11537019-T-C.
Other names: c.746A>G, p.Glu249Gly (NM_001302453.1); c.728A>G, p.Glu243Gly (NM_001302454.2); c.908A>G (NM_145045.4); short protein forms E243G, E249G, E303G.
Identifiers: ClinVar variation 2138721 (VCV002138721.2), dbSNP rs369892977, ClinGen allele CA404122992.

ClinVar aggregate classification (germline): Uncertain significance. Review status: criteria provided, multiple submitters, no conflicts (2 of 4 stars). 2 submissions from 2 submitters: Uncertain significance (2). Last evaluated 2025-05-28.

Conditions:
Inborn genetic diseases. Identifiers: MedGen C0950123, MeSH D030342.
Primary ciliary dyskinesia 30. Also called: CILIARY DYSKINESIA, PRIMARY, 30, WITH OR WITHOUT SITUS INVERSUS. Identifiers: Orphanet 244, MedGen C4015016, MONDO:0014465, OMIM 616037.

Allele frequency attached by ClinVar (database versions not stated): gnomAD 0.00001.

Submissions (2):

Ambry Genetics
Classification: Uncertain significance for Inborn genetic diseases. Last evaluated: 2025-05-28. Review status: criteria provided, single submitter. Criteria: Ambry Variant Classification Scheme 2023. Collection method: clinical testing. Allele origin: germline.

Labcorp Genetics (formerly Invitae), Labcorp
Classification: Uncertain significance for Primary ciliary dyskinesia 30. Last evaluated: 2021-09-01. Review status: criteria provided, single submitter. Criteria: Invitae Variant Classification Sherloc (09022015). Collection method: clinical testing. Allele origin: germline.
Comment: This sequence change replaces glutamic acid with glycine at codon 303 of the CCDC151 protein (p.Glu303Gly). The glutamic acid residue is weakly conserved and there is a moderate physicochemical difference between glutamic acid and glycine. This variant is not present in population databases (ExAC no frequency). This variant has not been reported in the literature in individuals affected with CCDC151-related conditions. Algorithms developed to predict the effect of missense changes on protein structure and function (SIFT, PolyPhen-2, Align-GVGD) all suggest that this variant is likely to be tolerated. In summary, the available evidence is currently insufficient to determine the role of this variant in disease. Therefore, it has been classified as a Variant of Uncertain Significance.